The following is an entry in ClinVar:

NM_058216.3(RAD51C):c.571+1del

Gene: RAD51C (RAD51 paralog C; plus strand). Cytogenetic location: 17q22.
Variant type: Deletion.
Coding change: c.571+1del on transcript NM_058216.3 (MANE Select); the canonical splice donor site of the intron after coding-DNA position 571, one base deleted (G; older notation c.571+1delG).
Molecular consequence: splice donor variant.
Genome position (GRCh38, 1-based): chr17:58,696,860, G deleted; the last of 3 consecutive G bases (chr17:58,696,858-58,696,860); deleting any one gives the same sequence. VCF-style (leftmost placement, unchanged base first): chr17-58696857-AG-A. GRCh37 (hg19) VCF-style: chr17-56774218-AG-A.
Other names: c.571+1delG (NM_058216.2, NM_058216.3); c.570delG (NM_058216.3); c.571del (NM_058216.3).
Identifiers: ClinVar variation 482176 (VCV000482176.26), dbSNP rs1327086366, ClinGen allele CA627144568.

ClinVar aggregate classification (germline): Pathogenic/Likely pathogenic. Review status: criteria provided, multiple submitters, no conflicts (2 of 4 stars). 9 submissions from 9 submitters: Pathogenic (2); Likely pathogenic (7). Last evaluated 2026-02-02.

Conditions:
RAD51C-related disorder. Also called: RAD51C-related condition; RAD51C-related disorders.
Hereditary cancer-predisposing syndrome. Also called: Neoplastic Syndromes, Hereditary; Hereditary Cancer Syndrome; Tumor predisposition; Hereditary neoplastic syndrome. Identifiers: Orphanet 140162, MedGen C0027672, MeSH D009386, MONDO:0015356.
Hereditary breast ovarian cancer syndrome. Also called: BRCA1- and BRCA2-Associated Hereditary Breast and Ovarian Cancer; Hereditary breast and ovarian cancer; Hereditary breast and ovarian cancer syndrome; Hereditary breast and ovarian cancer syndrome (HBOC); Hereditary breast and/or ovarian cancer syndrome; Breast and ovarian cancer. Identifiers: Orphanet 145, MedGen C0677776, MeSH D061325, MONDO:0003582. Disease mechanism: loss of function.
Fanconi anemia complementation group O. Also called: RAD51C-Related Fanconi Anemia. Identifiers: Orphanet 84, MedGen C3150653, MONDO:0013248, OMIM 613390.
Breast-ovarian cancer, familial, susceptibility to, 3. Also called: RAD51C-Related Breast/Ovarian Cancer. Identifiers: Orphanet 145, MedGen C3150659, MONDO:0013253, OMIM 613399.

Submissions (9):

PreventionGenetics, part of Exact Sciences
Classification: Likely pathogenic for RAD51C-related condition. Last evaluated: 2026-02-02. Review status: criteria provided, single submitter. Criteria: ACMG Guidelines, 2015. Collection method: clinical testing. Allele origin: germline.
Comment: The RAD51C c.571+1delG variant is predicted to result in a deletion affecting a canonical splice site. This variant has been reported in two individuals with breast and/or ovarian cancer, although one individual also carried a frameshift variant in BRCA2 (Supplementary data, Singh et al. 2018. PubMed ID: 29470806; described as c.571del, Table A.1, Krivokuca et al. 2021. PubMed ID: 34284872). This variant is reported in 0.0033% of alleles in individuals of South Asian descent in gnomAD. This variant is interpreted as likely pathogenic.

Myriad Genetics, Inc.
Classification: Pathogenic for Breast-ovarian cancer, familial, susceptibility to, 3. Last evaluated: 2026-01-13. Review status: criteria provided, single submitter. Criteria: Myriad Autosomal Dominant, Autosomal Recessive and X-Linked Classification Criteria (2023). Collection method: clinical testing. Allele origin: unknown.
Comment: This variant is considered pathogenic. This variant occurs within a consensus splice junction and is predicted to result in abnormal mRNA splicing of either an out-of-frame exon or an in-frame exon necessary for protein stability and/or normal function. mRNA analysis has demonstrated abnormal mRNA splicing occurs [PMID: 35740625]. Functional studies indicate this variant impacts protein function [PMID: 39299233].

Ambry Genetics
Classification: Likely pathogenic for Hereditary cancer-predisposing syndrome. Last evaluated: 2025-12-03. Review status: criteria provided, single submitter. Criteria: Ambry Variant Classification Scheme 2023. Collection method: clinical testing. Allele origin: germline.
Comment: The c.571+1delG intronic variant, located in intron 3 of the RAD51C gene, results from a deletion of the first nucleotide within intron 3 of the RAD51C gene. This nucleotide position is highly conserved in available vertebrate species. In silico splice site analysis predicts that this alteration will weaken the native splice donor site and will result in the creation or strengthening of a novel splice donor site; however, direct evidence is insufficient at this time (Ambry internal data). Alterations that disrupt the canonical splice site are expected to cause aberrant splicing, resulting in an abnormal protein or a transcript that is subject to nonsense-mediated mRNA decay. As such, this alteration is classified as likely pathogenic.

Labcorp Genetics (formerly Invitae), Labcorp
Classification: Pathogenic for Fanconi anemia complementation group O. Last evaluated: 2025-06-08. Review status: criteria provided, single submitter. Criteria: Invitae Variant Classification Sherloc (09022015). Collection method: clinical testing. Allele origin: germline.
Comment: This sequence change creates a premature translational stop signal (Splice site) in the RAD51C gene. It is expected to result in an absent or disrupted protein product. Loss-of-function variants in RAD51C are known to be pathogenic (PMID: 20400964, 21990120, 24800917, 29278735). This variant is present in population databases (no rsID available, gnomAD 0.003%). This premature translational stop signal has been observed in individual(s) with breast and/or ovarian cancer (PMID: 29470806). This variant is also known as c.571+1del . ClinVar contains an entry for this variant (Variation ID: 482176). Studies have shown that this premature translational stop signal alters mRNA splicing and is expected to lead to the loss of protein expression (PMID: 35740625). For these reasons, this variant has been classified as Pathogenic.

Institute for Biomarker Research, Medical Diagnostic Laboratories, L.L.C.
Classification: Likely pathogenic for Hereditary breast ovarian cancer syndrome. Last evaluated: 2024-11-29. Review status: criteria provided, single submitter. Criteria: ACMG Guidelines, 2015. Collection method: clinical testing. Allele origin: germline.
Comment: The splice donor variant NM_058216.3(RAD51C):c.571+1delG has been reported to ClinVar as Likely pathogenic with a status of (2 stars) criteria provided, multiple submitters, no conflicts (Variation ID 482176 as of 2024-11-07). . This variant results in the loss of an donor splice site for the clinically relevant transcript. This variant disrupts the donor splice site for an exon upstream from the penultimate exon junction and is therefore predicted to cause nonsense mediated decay. The c.571+1delG variant is a loss of function variant in the gene RAD51C, which is intolerant of Loss of Function variants, as indicated by the presence of existing pathogenic loss of function variant NP_478123.1:p.M1Vfs*4 and 205 others. For these reasons, this variant has been classified as Likely Pathogenic

Baylor Genetics
Classification: Likely pathogenic for Breast-ovarian cancer, familial, susceptibility to, 3. Last evaluated: 2023-01-10. Review status: criteria provided, single submitter. Criteria: ACMG Guidelines, 2015. Collection method: clinical testing. Allele origin: unknown.

Color Diagnostics, LLC DBA Color Health
Classification: Likely pathogenic for Hereditary cancer-predisposing syndrome. Last evaluated: 2021-06-28. Review status: criteria provided, single submitter. Criteria: ACMG Guidelines, 2015. Collection method: clinical testing. Allele origin: germline.
Comment: This variant deletes a nucleotide at the +1 position of intron 3 of the RAD51C gene. Splice site prediction tools suggest that this variant may have a significant impact on RNA splicing. Although this prediction has not been confirmed in published RNA studies, this variant is expected to result in an absent or disrupted protein product. This variant has been reported in an individual affected with breast and/or ovarian cancer (PMID: 29470806). This variant has not been identified in the general population by the Genome Aggregation Database (gnomAD). Loss of RAD51C function is a known mechanism of disease. Based on the available evidence, this variant is classified as Likely Pathogenic.

Women's Health and Genetics/Laboratory Corporation of America, LabCorp
Classification: Likely pathogenic for Hereditary breast and ovarian cancer syndrome. Last evaluated: 2018-12-26. Review status: criteria provided, single submitter. Criteria: LabCorp Variant Classification Summary - May 2015. Collection method: clinical testing. Allele origin: germline.
Comment: Variant summary: RAD51C c.571+1delG is located in a canonical splice-site and is predicted to affect mRNA splicing resulting in a significantly altered protein due to either exon skipping, shortening, or inclusion of intronic material. Several computational tools predict a significant impact on normal splicing: Five predict the variant abolishes a 5' canonical splicing donor site and creates a new 5' cryptic donor site inside exon 3. However, these predictions have yet to be confirmed by functional studies. The variant allele was found at a frequency of 4.1e-06 in 246238 control chromosomes. c.571+1delG has been reported in the literature in an individual with an indication of breast and/or ovarian cancer (Singh_2018). The same patient was found to carry another variant (BRCA2 c.9458delG, p.Gly3153AlafsTer10; classified pathogenic in ClinVar). To our knowledge, no experimental evidence demonstrating an impact on protein function has been reported. A ClinVar submission from a clinical diagnostic laboratory (evaluation after 2014) cites the variant as likely pathogenic. Based on the evidence outlined above, the variant was classified as likely pathogenic.

Lifecell International Pvt. Ltd
Classification: Likely pathogenic for Breast-ovarian cancer, familial, susceptibility to, 3. Review status: criteria provided, single submitter. Criteria: ACMG Guidelines, 2015. Collection method: clinical testing. Allele origin: germline. Affected: yes. Observed: 1 heterozygote.
Comment: A Heterozygous Frameshift, Splice site region variant c.570delG in Exon 3 of the RAD51C gene that results in the amino acid substitution p.Glu191fs*48 was identified. The observed variant has a minor allele frequency of 0.00000% in gnomAD exomes and genomes, respectively. The severity of the impact of this variant on the protein is high, based on the effect of the protein and REVEL score. Rare Exome Variant Ensemble Learner (REVEL) is an ensembl method for predicting the pathogenicity of missense variants based on a combination of scores from 13 individual tools: MutPred, FATHMM v2.3, VEST 3.0, PolyPhen-2, SIFT, PROVEAN, MutationAssessor, MutationTaster, LRT, GERP++, SiPhy, phyloP, and phastCons. The REVEL score for an individual missense variant can range from 0 to 1, with higher scores reflecting greater likelihood that the variant is disease-causing. Based on the above evidence this variant has been classified as Pathogenic according to the ACMG guidelines.

Literature cited by the submitters: PubMed 35740625 (cited by Myriad Genetics, Inc. and Labcorp Genetics (formerly Invitae), Labcorp); PubMed 39299233 (cited by Myriad Genetics, Inc.); PubMed 29470806 (cited by Ambry Genetics and Labcorp Genetics (formerly Invitae), Labcorp); PubMed 20400964 (cited by Labcorp Genetics (formerly Invitae), Labcorp); PubMed 21990120 (cited by Labcorp Genetics (formerly Invitae), Labcorp); PubMed 24800917 (cited by Labcorp Genetics (formerly Invitae), Labcorp); PubMed 29278735 (cited by Labcorp Genetics (formerly Invitae), Labcorp); PubMed 29922827 (cited by Women's Health and Genetics/Laboratory Corporation of America, LabCorp).